The following is an entry in ClinVar:

NM_018292.5(QRSL1):c.1097G>A (p.Arg366Gln)

Gene: QRSL1 (glutaminyl-tRNA amidotransferase subunit QRSL1; plus strand). Cytogenetic location: 6q21.
Variant type: single nucleotide variant.
Coding change: c.1097G>A on transcript NM_018292.5 (MANE Select); coding-DNA position 1097, G replaced by A.
Protein change: p.Arg366Gln; replaces arginine 366 with glutamine.
Molecular consequence: missense variant.
Genome position (GRCh38, 1-based): chr6:106,655,669, G>A. VCF-style: chr6-106655669-G-A. GRCh37 (hg19) VCF-style: chr6-107103544-G-A.
Other names: c.1097G>A (NM_018292.4); short protein forms R366Q.
Identifiers: ClinVar variation 1479822 (VCV001479822.30), dbSNP rs72946534, ClinGen allele CA3944949.
Genomic context (GRCh38, chr6:106,655,669, plus strand): 5'-TTTCAGGTCACAGATGTGACATTGATGTGTCCACTGAAGCCATGTATGCTGCAACCAGAC[G>A]AGAAGGGTTTAATGATGTGGTGAGAGGAAGAATTCTCTCAGGAAACTTTTTCTTATTAAA-3'
Protein context (NP_060762.3, residues 356-376): STEAMYAATR[Arg366Gln]EGFNDVVRGR

ClinVar aggregate classification (germline): Conflicting classifications of pathogenicity. Review status: criteria provided, conflicting classifications (1 of 4 stars). 5 submissions from 5 submitters: Uncertain significance (3); Likely benign (2). Last evaluated 2026-05-01.

Conditions:
Inborn genetic diseases. Identifiers: MedGen C0950123, MeSH D030342.

Allele frequency attached by ClinVar (database versions not stated): ExAC 0.00059; gnomAD 0.00063 and 0.00064; ESP Exome Variant Server 0.00100; 1000 Genomes Project 0.00020; 1000 Genomes Project 30x 0.00031; gnomAD exomes 0.00052.
gnomAD v4.1: 1,517 of 1,613,678 alleles (0.094%); highest among the groups gnomAD compares: Non-Finnish European, 0.12%; 1 homozygote.

Submissions (5):

CeGaT Center for Human Genetics Tuebingen
Classification: Likely benign. Last evaluated: 2026-05-01. Review status: criteria provided, single submitter. Criteria: CeGaT Center For Human Genetics Tuebingen Variant Classification Criteria Version 2. Collection method: clinical testing. Allele origin: germline. Affected: yes. Observed: 2 variant alleles.
Comment: QRSL1: BP4

Ambry Genetics
Classification: Uncertain significance for Inborn genetic diseases. Last evaluated: 2025-11-06. Review status: criteria provided, single submitter. Criteria: Ambry Variant Classification Scheme 2023. Collection method: clinical testing. Allele origin: germline.

Blueprint Genetics
Classification: Likely benign. Last evaluated: 2024-11-21. Review status: criteria provided, single submitter. Criteria: ACMG Guidelines, 2015. Collection method: clinical testing. Allele origin: germline.

Labcorp Genetics (formerly Invitae), Labcorp
Classification: Uncertain significance. Last evaluated: 2022-08-16. Review status: criteria provided, single submitter. Criteria: Invitae Variant Classification Sherloc (09022015). Collection method: clinical testing. Allele origin: germline.
Comment: This sequence change replaces arginine, which is basic and polar, with glutamine, which is neutral and polar, at codon 366 of the QRSL1 protein (p.Arg366Gln). This variant is present in population databases (rs72946534, gnomAD 0.1%), and has an allele count higher than expected for a pathogenic variant. This variant has not been reported in the literature in individuals affected with QRSL1-related conditions. ClinVar contains an entry for this variant (Variation ID: 1479822). Algorithms developed to predict the effect of missense changes on protein structure and function output the following: SIFT: "Tolerated"; PolyPhen-2: "Benign"; Align-GVGD: "Class C0". The glutamine amino acid residue is found in multiple mammalian species, which suggests that this missense change does not adversely affect protein function. In summary, the available evidence is currently insufficient to determine the role of this variant in disease. Therefore, it has been classified as a Variant of Uncertain Significance.

Breakthrough Genomics
Classification: Uncertain significance. Review status: criteria provided, single submitter. Criteria: ACMG Guidelines, 2015. Collection method: not provided. Allele origin: germline. Inheritance: Autosomal recessive inheritance. Affected: yes.